The following is an entry in ClinVar:

NM_000038.6(APC):c.5877T>A (p.Thr1959=)

Gene: APC (APC regulator of Wnt signaling pathway; plus strand). Cytogenetic location: 5q22.2.
Variant type: single nucleotide variant.
Coding change: c.5877T>A on transcript NM_000038.6 (MANE Select); coding-DNA position 5877, T replaced by A.
Protein change: p.Thr1959=; no amino-acid change (threonine 1959 retained).
Molecular consequence: synonymous variant.
Genome position (GRCh38, 1-based): chr5:112,841,471, T>A. VCF-style: chr5-112841471-T-A. GRCh37 (hg19) VCF-style: chr5-112177168-T-A.
Other names: c.5802T>A, p.Thr1934= (NM_001354898.2); c.5793T>A, p.Thr1931= (NM_001354899.2); c.5754T>A, p.Thr1918= (NM_001354900.2); c.5700T>A, p.Thr1900= (NM_001354901.2); c.5604T>A, p.Thr1868= (NM_001354902.2); c.5574T>A, p.Thr1858= (NM_001354903.2); c.5499T>A, p.Thr1833= (NM_001354904.2); c.5397T>A, p.Thr1799= (NM_001354905.2); and 5 more.
Identifiers: ClinVar variation 416740 (VCV000416740.20), dbSNP rs369899251, ClinGen allele CA16611708.
Genomic context (GRCh38, chr5:112,841,471, plus strand): 5'-CATACCAGACAGAGGGGCAGCAACTGATGAAAAGTTACAGAATTTTGCTATTGAAAATAC[T>A]CCGGTTTGCTTTTCTCATAATTCCTCTCTGAGTTCTCTCAGTGACATTGACCAAGAAAAC-3'
Protein context (NP_000029.2, residues 1949-1969): EKLQNFAIEN[Thr1959=]PVCFSHNSSL

ClinVar aggregate classification (germline): Benign/Likely benign. Review status: criteria provided, multiple submitters, no conflicts (2 of 4 stars). 5 submissions from 5 submitters: Benign (1); Likely benign (4). Last evaluated 2025-05-23.

Conditions:
Hereditary cancer-predisposing syndrome. Also called: Tumor predisposition; Hereditary Cancer Syndrome; Hereditary neoplastic syndrome; Neoplastic Syndromes, Hereditary. Identifiers: Orphanet 140162, MedGen C0027672, MeSH D009386, MONDO:0015356.
Familial adenomatous polyposis 1 (FAP1). Also called: FAMILIAL ADENOMATOUS POLYPOSIS 1, ATTENUATED; POLYPOSIS, ADENOMATOUS INTESTINAL. Identifiers: MedGen C2713442, MONDO:0021056, OMIM 175100. Disease mechanism: loss of function.

Allele frequency attached by ClinVar (database versions not stated): gnomAD exomes below 0.00001.

Submissions (5):

Labcorp Genetics (formerly Invitae), Labcorp
Classification: Likely benign for Familial adenomatous polyposis 1. Last evaluated: 2025-05-23. Review status: criteria provided, single submitter. Criteria: Invitae Variant Classification Sherloc (09022015). Collection method: clinical testing. Allele origin: germline.

Myriad Genetics, Inc.
Classification: Benign for Familial adenomatous polyposis 1. Last evaluated: 2024-04-03. Review status: criteria provided, single submitter. Criteria: Myriad Autosomal Dominant, Autosomal Recessive and X-Linked Classification Criteria (2023). Collection method: clinical testing. Allele origin: unknown.
Comment: This variant is considered benign. This variant is a silent/synonymous amino acid change and it is not expected to impact splicing.

Blueprint Genetics
Classification: Likely benign. Last evaluated: 2023-02-03. Review status: criteria provided, single submitter. Criteria: ACMG Guidelines, 2015. Collection method: clinical testing. Allele origin: germline.

Color Diagnostics, LLC DBA Color Health
Classification: Likely benign for Hereditary cancer-predisposing syndrome. Last evaluated: 2017-09-16. Review status: criteria provided, single submitter. Criteria: ACMG Guidelines, 2015. Collection method: clinical testing. Allele origin: germline.

Ambry Genetics
Classification: Likely benign for Hereditary cancer-predisposing syndrome. Last evaluated: 2016-06-16. Review status: criteria provided, single submitter. Criteria: Ambry Variant Classification Scheme 2023. Collection method: clinical testing. Allele origin: germline.